The following is an entry in ClinVar:

ClinVar aggregate classification (germline): Uncertain significance (1 of 4 stars; one submission).

Submission:

Labcorp Genetics (formerly Invitae), Labcorp
Classification: Uncertain significance. Last evaluated: 2025-05-01. Review status: criteria provided, single submitter. Criteria: Invitae Variant Classification Sherloc (09022015). Collection method: clinical testing. Allele origin: germline.
Comment: This sequence change falls in intron 9 of the NLRP1 gene. It does not directly change the encoded amino acid sequence of the NLRP1 protein. Information on the frequency of this variant in the gnomAD database is not available, as this variant may be reported differently in the database. This variant has not been reported in the literature in individuals affected with NLRP1-related conditions. Experimental studies and prediction algorithms are not available or were not evaluated, and the effect of this variant on mRNA splicing is currently unknown. In summary, the available evidence is currently insufficient to determine the role of this variant in disease. Therefore, it has been classified as a Variant of Uncertain Significance.

NM_033004.4(NLRP1):c.3052+14_3052+15delinsAA

Gene: NLRP1 (NLR family pyrin domain containing 1; minus strand). Cytogenetic location: 17p13.2.
Variant type: Indel.
Coding change: c.3052+14_3052+15delinsAA on transcript NM_033004.4 (MANE Select); bases 14 to 15 of the intron after coding-DNA position 3052, GC replaced by AA.
Molecular consequence: intron variant.
Genome position (GRCh38, 1-based): chr17:5,533,882-5,533,883, GC replaced by TT on the plus strand (GC replaced by AA on the coding strand, the reverse complement: NLRP1 is on the minus strand). VCF-style: chr17-5533882-GC-TT. GRCh37 (hg19) VCF-style: chr17-5437202-GC-TT.
Other names: c.3052+14_3052+15delinsAA (NM_001033053.3, NM_014922.5); c.2962+14_2962+15delinsAA (NM_033007.4, NM_033006.4).
Identifiers: ClinVar variation 4697509 (VCV004697509.1).